The following is an entry in ClinVar:

ClinVar aggregate classification (germline): Uncertain significance. Review status: criteria provided, single submitter (1 of 4 stars). 2 submissions from 2 submitters: Uncertain significance (1). 1 of the submissions does not count toward it. Last evaluated 2025-06-02.

Conditions:
TJP2-related disorder. Also called: TJP2-related condition.

Allele frequency attached by ClinVar (database versions not stated): TOPMed 0.00002.
gnomAD v4.1: 1 of 1,614,126 alleles (0.000062%); highest among the groups gnomAD compares: Admixed American, 0.0017%; no homozygotes.

Submissions (2):

Labcorp Genetics (formerly Invitae), Labcorp
Classification: Uncertain significance. Last evaluated: 2025-06-02. Review status: criteria provided, single submitter. Criteria: Invitae Variant Classification Sherloc (09022015). Collection method: clinical testing. Allele origin: germline.
Comment: This sequence change replaces isoleucine, which is neutral and non-polar, with valine, which is neutral and non-polar, at codon 609 of the TJP2 protein (p.Ile609Val). This variant is not present in population databases (gnomAD no frequency). This variant has not been reported in the literature in individuals affected with TJP2-related conditions. ClinVar contains an entry for this variant (Variation ID: 2959430). Invitae Evidence Modeling of protein sequence and biophysical properties (such as structural, functional, and spatial information, amino acid conservation, physicochemical variation, residue mobility, and thermodynamic stability) indicates that this missense variant is not expected to disrupt TJP2 protein function with a negative predictive value of 80%. In summary, the available evidence is currently insufficient to determine the role of this variant in disease. Therefore, it has been classified as a Variant of Uncertain Significance.

PreventionGenetics, part of Exact Sciences
Classification: Uncertain significance for TJP2-related condition. Last evaluated: 2024-04-04. Review status: no assertion criteria provided. Collection method: clinical testing. Allele origin: germline. Not counted in ClinVar's aggregate classification.
Comment: The TJP2 c.1825A>G variant is predicted to result in the amino acid substitution p.Ile609Val. To our knowledge, this variant has not been reported in the literature. This variant is reported in 0.00088% of alleles in individuals of European (Non-Finnish) descent in gnomAD. At this time, the clinical significance of this variant is uncertain due to the absence of conclusive functional and genetic evidence.

NM_004817.4(TJP2):c.1825A>G (p.Ile609Val)

Gene: TJP2 (tight junction protein 2; plus strand). Cytogenetic location: 9q21.11.
Variant type: single nucleotide variant.
Coding change: c.1825A>G on transcript NM_004817.4 (MANE Select); coding-DNA position 1825, A replaced by G.
Protein change: p.Ile609Val; replaces isoleucine 609 with valine.
Molecular consequence: missense variant.
Genome position (GRCh38, 1-based): chr9:69,236,072, A>G. VCF-style: chr9-69236072-A-G. GRCh37 (hg19) VCF-style: chr9-71850988-A-G.
Other names: c.1825A>G (NM_004817.3); c.1756A>G, p.Ile586Val (NM_001170414.2, NM_001369871.1); c.1837A>G, p.Ile613Val (NM_001170415.1, NM_001369874.1, NM_001369875.1); c.1918A>G, p.Ile640Val (NM_001170416.2); c.1750A>G, p.Ile584Val (NM_001369870.1); c.1825A>G, p.Ile609Val (NM_001369872.1, NM_001369873.1, NM_201629.3); short protein forms I640V, I586V, I584V, I609V, I613V.
Identifiers: ClinVar variation 2959430 (VCV002959430.4), dbSNP rs1472698920, ClinGen allele CA373532356.